The following is an entry in ClinVar:

NM_000558.3(HBA1):c.349G>A (p.Glu117Lys)

Genes: HBA1 (hemoglobin subunit alpha 1; plus strand), LOC106804613 (hemoglobin subunit alpha 1 recombination region; plus strand). Cytogenetic location: 16p13.3.
Variant type: single nucleotide variant.
Coding change: c.349G>A on transcript NM_000558.3; coding-DNA position 349, G replaced by A.
Protein change: p.Glu117Lys; replaces glutamic acid 117 with lysine.
Molecular consequence: missense variant (on NM_000558.5).
Genome position (GRCh38, 1-based): chr16:177,331, G>A. VCF-style: chr16-177331-G-A. GRCh37 (hg19) VCF-style: chr16-227330-G-A.
Other names: E116K; Hb Buginese-X; Hb Oliviere; c.349G>A, p.Glu117Lys (NM_000558.5); c.349G>A (NM_000558.4); short protein forms E117K.
Identifiers: ClinVar variation 15793 (VCV000015793.19), dbSNP rs63749882, ClinGen allele CA125847.

ClinVar aggregate classification (germline): Conflicting classifications of pathogenicity. Review status: criteria provided, conflicting classifications (1 of 4 stars). 10 submissions from 6 submitters: Uncertain significance (3); Likely benign (1). 6 of the submissions do not count toward it. Last evaluated 2026-08-31.

Conditions:
HBA1-related disorder. Also called: HBA1-related condition.
alpha Thalassemia. Also called: Alpha thalassemia spectrum. Identifiers: Orphanet 846, MedGen C0002312, MONDO:0011399, OMIM 604131.
HEMOGLOBIN OLIVIERE.
HEMOGLOBIN O (INDONESIA).
HEMOGLOBIN O (BUGINESE-X).
HEMOGLOBIN BUGINESE-X.
HEMOGLOBIN O (OLIVIERE).

Allele frequency attached by ClinVar (database versions not stated): gnomAD below 0.00001 and 0.00001; ExAC 0.00001; gnomAD exomes 0.00001.
gnomAD v4.1: 9 of 1,613,142 alleles (0.00056%); highest among the groups gnomAD compares: Middle Eastern, 0.033%; 1 homozygote.

Submissions (10):

PreventionGenetics, part of Exact Sciences
Classification: Uncertain significance for HBA1-related condition. Last evaluated: 2026-08-31. Review status: criteria provided, single submitter. Criteria: ACMG Guidelines, 2015. Collection method: clinical testing. Allele origin: germline.
Comment: The HBA1 c.349G>A variant is predicted to result in the amino acid substitution p.Glu117Lys. This variant is also referred to in the literature as Hb-O Indonesia or Glu116Lys. It has been reported in individuals who are clinically asymptomatic or who have mild hypochromic microcytic anemia (see, for example: Daud et al. 2001. PubMed ID: 11558897; Chopra et al. 2011. PubMed ID: 20574732; Bayat et al. 2013. PubMed ID: 23402770). This variant has also been reported in individuals who also carried variants in other hemoglobin genes (Gupta et al. 2017. PubMed ID: 28195097; Kumar et al. 2019. PubMed ID: 31388286). This variant is reported in 0.0066% of alleles in individuals of South Asian descent in gnomAD. At this time, the clinical significance of this variant is uncertain due to the absence of conclusive functional and genetic evidence.

Quest Diagnostics Nichols Institute San Juan Capistrano
Classification: Uncertain significance. Last evaluated: 2025-07-29. Review status: criteria provided, single submitter. Criteria: Quest Diagnostics criteria. Collection method: clinical testing. Allele origin: unknown.
Comment: The HBA1 c.349G>A (p.Glu117Lys) variant has been reported in the published literature in to be mildly unstable in one study (PMID: 2101839 (1990), HbVar). Individuals heterozygous for this variant have normal clinical presentations (PMID: 11558897 (2001), 4986187 (1970)) or mild hypochromic microcytic anemia (PMID: 20838957 (2010), 20574732 (2011), 23402770 (2013)). This variant has also been reported in compound heterozygosity with Hb S in individuals who were asymptomatic or with mild microcytic hypochromic anemia (PMID: 31388286 (2019)). The frequency of this variant in the general population (Genome Aggregation Database) is uninformative in the assessment of its pathogenicity. Analysis of this variant using bioinformatics tools for the prediction of the effect of amino acid changes on protein structure and function yielded conflicting predictions that this variant is deleterious or benign. Based on the available information, we are unable to determine the clinical significance of this variant.

Women's Health and Genetics/Laboratory Corporation of America, LabCorp
Classification: Uncertain significance. Last evaluated: 2024-10-21. Review status: criteria provided, single submitter. Criteria: LabCorp Variant Classification Summary - May 2015. Collection method: clinical testing. Allele origin: germline.
Comment: Variant summary: HBA1 c.349G>A (p.Glu117Lys) results in a conservative amino acid change in the encoded protein sequence. Two of four in-silico tools predict a benign effect of the variant on protein function. The variant allele was found at a frequency of 8.1e-06 in 246712 control chromosomes (gnomAD). The available data on variant occurrences in the general population are insufficient to allow any conclusion about variant significance. c.349G>A has been reported in the literature in heterozygous individuals who were asymptomatic and/or had mild phenotypes such as anemia without strong evidence of causality (e.g. Molchanova_1994, Daud_2001, Nair_2010, Saechan_2010, Chopra_2011, Bayat_2013). These reports do not provide unequivocal conclusions about association of the variant with Alpha Thalassemia. To our knowledge, no experimental evidence demonstrating an impact on protein function has been reported. The following publications have been ascertained in the context of this evaluation (PMID: 7803274, 11558897, 20100235, 23402770, 20574732, 20838957). ClinVar contains an entry for this variant (Variation ID: 15793). Based on the evidence outlined above, the variant was classified as uncertain significance.

ARUP Laboratories, Molecular Genetics and Genomics, ARUP Laboratories
Classification: Likely benign. Last evaluated: 2024-06-25. Review status: criteria provided, single submitter. Criteria: ARUP Molecular Germline Variant Investigation Process 2024. Collection method: clinical testing. Allele origin: germline.
Comment: The Hb O-Indonesia variant (HBA1: c.349G>A; p.Glu117Lys, also known as Glu116Lys when numbered from the mature protein, rs63749882, HbVar ID: 180) is reported in the literature in the heterozygous state in individuals with no clinical symptoms (Chopra 2011, Nair 2010, see HbVar and references therein). However, the phenotype of this variant in the presence of other alpha globin variants is unknown. This variant has been reported to have lower HbO levels than expected, suggesting protein instability; however, in vitro studies have shown the protein to be stable (see HbVar). This variant is only observed on two alleles in the Genome Aggregation Database, indicating it is not a common polymorphism. Computational analyses are uncertain whether this variant is neutral or deleterious (REVEL: 0.673). Based on available information, this variant is considered to be likely benign. References: Chopra A et al. Hemoglobin O(Indonesia) in India: a rare observation. Ann Hematol. 2011 Mar;90(3):353-4. PMID: 20574732. Nair S et al. Five alpha globin chain variants identified during screening for haemoglobinopathies. Eur J Clin Invest. 2010 Mar;40(3):226-32. PMID: 20100235.

Natera, Inc.
Classification: Likely benign for Alpha thalassemia. Last evaluated: 2020-09-16. Review status: no assertion criteria provided. Collection method: clinical testing. Allele origin: germline. Not counted in ClinVar's aggregate classification.

OMIM
Classification: other for HEMOGLOBIN O (INDONESIA). Last evaluated: 2018-05-10. Review status: no assertion criteria provided. Collection method: literature only. Allele origin: germline. Not counted in ClinVar's aggregate classification.

OMIM
Classification: other for HEMOGLOBIN O (BUGINESE-X). Last evaluated: 2018-05-10. Review status: no assertion criteria provided. Collection method: literature only. Allele origin: germline. Not counted in ClinVar's aggregate classification.

OMIM
Classification: other for HEMOGLOBIN BUGINESE-X. Last evaluated: 2018-05-10. Review status: no assertion criteria provided. Collection method: literature only. Allele origin: germline. Not counted in ClinVar's aggregate classification.

OMIM
Classification: other for HEMOGLOBIN O (OLIVIERE). Last evaluated: 2018-05-10. Review status: no assertion criteria provided. Collection method: literature only. Allele origin: germline. Not counted in ClinVar's aggregate classification.

OMIM
Classification: other for HEMOGLOBIN OLIVIERE. Last evaluated: 2018-05-10. Review status: no assertion criteria provided. Collection method: literature only. Allele origin: germline. Not counted in ClinVar's aggregate classification.

Literature cited by the submitters: PubMed 23402770 (cited by Quest Diagnostics Nichols Institute San Juan Capistrano and Women's Health and Genetics/Laboratory Corporation of America, LabCorp); PubMed 20574732 (cited by Quest Diagnostics Nichols Institute San Juan Capistrano and Women's Health and Genetics/Laboratory Corporation of America, LabCorp); PubMed 20838957 (cited by Quest Diagnostics Nichols Institute San Juan Capistrano and Women's Health and Genetics/Laboratory Corporation of America, LabCorp); PubMed 4986187 (cited by Quest Diagnostics Nichols Institute San Juan Capistrano and OMIM); PubMed 2101839 (cited by Quest Diagnostics Nichols Institute San Juan Capistrano); PubMed 7803274 (cited by Quest Diagnostics Nichols Institute San Juan Capistrano and Women's Health and Genetics/Laboratory Corporation of America, LabCorp); PubMed 20100235 (cited by Quest Diagnostics Nichols Institute San Juan Capistrano and Women's Health and Genetics/Laboratory Corporation of America, LabCorp); PubMed 31388286 (cited by Quest Diagnostics Nichols Institute San Juan Capistrano); PubMed 31553106 (cited by Quest Diagnostics Nichols Institute San Juan Capistrano); PubMed 13536534 (cited by Quest Diagnostics Nichols Institute San Juan Capistrano and OMIM); PubMed 11558897 (cited by 3 submitters); PubMed 30489691 (cited by Quest Diagnostics Nichols Institute San Juan Capistrano); PubMed 13863929 (cited by OMIM).